The following is an entry in ClinVar:

NM_000143.4(FH):c.403C>T (p.His135Tyr)

Gene: FH (fumarate hydratase; minus strand). Cytogenetic location: 1q43.
Variant type: single nucleotide variant.
Coding change: c.403C>T on transcript NM_000143.4 (MANE Select); coding-DNA position 403, C replaced by T.
Protein change: p.His135Tyr; replaces histidine 135 with tyrosine.
Molecular consequence: missense variant.
Genome position (GRCh38, 1-based): chr1:241,512,119, G>A on the plus strand (C>T on the coding strand, the complement: FH is on the minus strand). VCF-style: chr1-241512119-G-A. GRCh37 (hg19) VCF-style: chr1-241675419-G-A.
Other names: short protein forms H135Y.
Identifiers: ClinVar variation 449861 (VCV000449861.2), dbSNP rs1553341617, ClinGen allele CA345440178.

ClinVar aggregate classification (germline): Uncertain significance (1 of 4 stars; one submission).

Submission:

GeneDx
Classification: Uncertain significance. Last evaluated: 2017-02-27. Review status: criteria provided, single submitter. Criteria: GeneDx Variant Classification (06012015). Collection method: clinical testing. Allele origin: germline. Affected: yes.
Comment: This variant is denoted FH c.403C>T at the cDNA level, p.His135Tyr (H135Y) at the protein level, and results in the change of a Histidine to a Tyrosine (CAT>TAT). This variant has not, to our knowledge, been published in the literature as pathogenic or benign. FH His135Tyr was not observed in large population cohorts (Lek 2016, The 1000 Genomes Consortium 2015, NHLBI Exome Sequencing Project). Since Histidine and Tyrosine differ in polarity, charge, size or other properties, this is considered a non-conservative amino acid substitution. FH His135Tyr occurs at a position that is conserved across species and is not located in a known functional domain. In silico analyses predict that this variant is probably damaging to protein structure and function. Based on currently available evidence, it is unclear whether FH His135Tyr is a pathogenic or benign variant. We consider it to be a variant of uncertain significance.